The following is an entry in ClinVar:

NM_001211.6(BUB1B):c.3011A>G (p.Asn1004Ser)

Genes: BUB1B (BUB1 mitotic checkpoint serine/threonine kinase B; plus strand), BUB1B-PAK6 (BUB1B-PAK6 readthrough; plus strand). Cytogenetic location: 15q15.1.
Variant type: single nucleotide variant.
Coding change: c.3011A>G on transcript NM_001211.6 (MANE Select); coding-DNA position 3011, A replaced by G.
Protein change: p.Asn1004Ser; replaces asparagine 1004 with serine.
Molecular consequence: missense variant. On other transcripts: intron variant (2).
Genome position (GRCh38, 1-based): chr15:40,220,617, A>G. VCF-style: chr15-40220617-A-G. GRCh37 (hg19) VCF-style: chr15-40512818-A-G.
Other names: p.Asn1004Ser; c.-201+2950A>G (NM_001128628.3); c.-118+2950A>G (NM_001128629.3); short protein forms N1004S.
Identifiers: ClinVar variation 133772 (VCV000133772.23), dbSNP rs34998711, ClinGen allele CA157768.

ClinVar aggregate classification (germline): Benign/Likely benign. Review status: criteria provided, multiple submitters, no conflicts (2 of 4 stars). 10 submissions from 9 submitters: Benign (4); Likely benign (5). 1 of the submissions does not count toward it. Last evaluated 2026-08-01.

Conditions:
Colorectal cancer. Also called: Colorectal cancer, somatic; Malignant Colorectal Neoplasm. Identifiers: MedGen C0346629, MONDO:0005575, OMIM 114500.
Inborn genetic diseases. Identifiers: MedGen C0950123, MeSH D030342.
Premature chromatid separation trait (PCS). Also called: TOTAL PREMATURE CHROMATID SEPARATION TRAIT. Identifiers: MedGen C1864389, MONDO:0008304, OMIM 176430.
Mosaic variegated aneuploidy syndrome 1 (MVA1). Also called: Warburton-Anyane-Yeboa syndrome. Identifiers: Orphanet 1052, MedGen C1850343, MONDO:0009759, OMIM 257300.

Allele frequency attached by ClinVar (database versions not stated): gnomAD exomes 0.00078; ExAC 0.00092; 1000 Genomes Project 0.00240; 1000 Genomes Project 30x 0.00297; ESP Exome Variant Server 0.00308; gnomAD 0.00324 and 0.00350; TOPMed 0.00376.

Submissions (10):

CeGaT Center for Human Genetics Tuebingen
Classification: Likely benign. Last evaluated: 2026-08-01. Review status: criteria provided, single submitter. Criteria: CeGaT Center For Human Genetics Tuebingen Variant Classification Criteria Version 2. Collection method: clinical testing. Allele origin: germline. Affected: yes. Observed: 2 variant alleles.
Comment: BUB1B: BP4, BS1

Labcorp Genetics (formerly Invitae), Labcorp
Classification: Benign for Mosaic variegated aneuploidy syndrome 1. Last evaluated: 2026-01-04. Review status: criteria provided, single submitter. Criteria: Invitae Variant Classification Sherloc (09022015). Collection method: clinical testing. Allele origin: germline.

Mayo Clinic Laboratories, Mayo Clinic
Classification: Benign. Last evaluated: 2025-09-04. Review status: criteria provided, single submitter. Criteria: ACMG Guidelines, 2015. Collection method: clinical testing. Allele origin: germline. Observed: 1 variant allele.
Comment: BS1, BS2, BP4_moderate

KCCC/NGS Laboratory, Kuwait Cancer Control Center
Classification: Benign for Premature chromatid separation trait. Last evaluated: 2025-02-01. Review status: criteria provided, single submitter. Criteria: ACMG Guidelines, 2015. Collection method: clinical testing. Allele origin: germline. Affected: no.

Blueprint Genetics
Classification: Likely benign. Last evaluated: 2024-11-25. Review status: criteria provided, single submitter. Criteria: ACMG Guidelines, 2015. Collection method: clinical testing. Allele origin: germline.

KCCC/NGS Laboratory, Kuwait Cancer Control Center
Classification: Benign for Colorectal cancer. Last evaluated: 2023-07-07. Review status: criteria provided, single submitter. Criteria: ACMG Guidelines, 2015. Collection method: clinical testing. Allele origin: germline. Affected: yes.

Ambry Genetics
Classification: Likely benign for Inborn genetic diseases. Last evaluated: 2021-08-27. Review status: criteria provided, single submitter. Criteria: Ambry Variant Classification Scheme 2023. Collection method: clinical testing. Allele origin: germline.

GeneDx
Classification: Likely benign. Last evaluated: 2019-05-20. Review status: criteria provided, single submitter. Criteria: GeneDx Variant Classification Process June 2021. Collection method: clinical testing. Allele origin: germline. Affected: yes.

Breakthrough Genomics
Classification: Likely benign. Review status: criteria provided, single submitter. Criteria: ACMG Guidelines, 2015. Collection method: not provided. Allele origin: germline. Inheritance: Autosomal recessive inheritance. Affected: yes.

ITMI
No classification provided. Condition: AllHighlyPenetrant. Last evaluated: 2013-09-19. Review status: no classification provided. Collection method: reference population. Allele origin: germline. Not counted in ClinVar's aggregate classification.
Comment: Please see associated publication for description of ethnicities

Literature cited by the submitters: PubMed 24728327 (cited by ITMI).